The following is an entry in ClinVar:

NM_006231.4(POLE):c.3194G>C (p.Gly1065Ala)

Gene: POLE (DNA polymerase epsilon, catalytic subunit; minus strand). Cytogenetic location: 12q24.33.
Variant type: single nucleotide variant.
Coding change: c.3194G>C on transcript NM_006231.4 (MANE Select); coding-DNA position 3194, G replaced by C.
Protein change: p.Gly1065Ala; replaces glycine 1065 with alanine.
Molecular consequence: missense variant.
Genome position (GRCh38, 1-based): chr12:132,659,376, C>G on the plus strand (G>C on the coding strand, the complement: POLE is on the minus strand). VCF-style: chr12-132659376-C-G. GRCh37 (hg19) VCF-style: chr12-133235962-C-G.
Other names: short protein forms G1065A.
Identifiers: ClinVar variation 1469255 (VCV001469255.6), dbSNP rs2138675946, ClinGen allele CA387390612.

ClinVar aggregate classification (germline): Uncertain significance (1 of 4 stars; one submission).

Allele frequency attached by ClinVar (database versions not stated): gnomAD exomes below 0.00001.
gnomAD v4.1: 1 of 1,614,216 alleles (0.000062%); highest among the groups gnomAD compares: Non-Finnish European, 0.000085%; no homozygotes.

Submission:

Labcorp Genetics (formerly Invitae), Labcorp
Classification: Uncertain significance. Last evaluated: 2025-11-11. Review status: criteria provided, single submitter. Criteria: Invitae Variant Classification Sherloc (09022015). Collection method: clinical testing. Allele origin: germline.
Comment: This sequence change replaces glycine, which is neutral and non-polar, with alanine, which is neutral and non-polar, at codon 1065 of the POLE protein (p.Gly1065Ala). This variant is not present in population databases (gnomAD no frequency). This variant has not been reported in the literature in individuals affected with POLE-related conditions. ClinVar contains an entry for this variant (Variation ID: 1469255). Invitae Evidence Modeling of protein sequence and biophysical properties (such as structural, functional, and spatial information, amino acid conservation, physicochemical variation, residue mobility, and thermodynamic stability) indicates that this missense variant is expected to disrupt POLE protein function with a positive predictive value of 80%. In summary, the available evidence is currently insufficient to determine the role of this variant in disease. Therefore, it has been classified as a Variant of Uncertain Significance.